The following is an entry in ClinVar:

ClinVar aggregate classification (germline): Likely benign (1 of 4 stars; one submission).

Submission:

CeGaT Center for Human Genetics Tuebingen
Classification: Likely benign. Last evaluated: 2026-09-01. Review status: criteria provided, single submitter. Criteria: CeGaT Center For Human Genetics Tuebingen Variant Classification Criteria Version 2. Collection method: clinical testing. Allele origin: germline. Affected: yes. Observed: 1 variant allele.
Comment: SLC38A3: BP4, BP7

NM_006841.6(SLC38A3):c.63G>A (p.Gly21=)

Gene: SLC38A3 (solute carrier family 38 member 3; plus strand). Cytogenetic location: 3p21.31.
Variant type: single nucleotide variant.
Coding change: c.63G>A on transcript NM_006841.6 (MANE Select); coding-DNA position 63, G replaced by A.
Protein change: p.Gly21=; no amino-acid change (glycine 21 retained).
Molecular consequence: synonymous variant.
Genome position (GRCh38, 1-based): chr3:50,214,262, G>A. VCF-style: chr3-50214262-G-A. GRCh37 (hg19) VCF-style: chr3-50251695-G-A.
Identifiers: ClinVar variation 5041226 (VCV005041226.1).
Genomic context (GRCh38, chr3:50,214,262, plus strand): 5'-GGAGGCGCCTTTGCAGACAGAGATGGTGGAGCTGGTGCCCAATGGCAAACACTCAGAGGG[G>A]CTGCTCCCGGTCATCACCCCCATGGCAGGCAACCAGAGGTGAGTACCAGAGGGACCCAGT-3'
Protein context (NP_006832.1, residues 11-31): ELVPNGKHSE[Gly21=]LLPVITPMAG